The following is an entry in ClinVar:

ClinVar aggregate classification (germline): Uncertain significance (1 of 4 stars; one submission).

Submission:

Ambry Genetics
Classification: Uncertain significance. Last evaluated: 2019-11-21. Review status: criteria provided, single submitter. Criteria: Ambry Variant Classification Scheme 2023. Collection method: clinical testing. Allele origin: germline.
Comment: The p.A378T variant (also known as c.1132G>A), located in coding exon 6 of the GALNT12 gene, results from a G to A substitution at nucleotide position 1132. The alanine at codon 378 is replaced by threonine, an amino acid with similar properties. This amino acid position is highly conserved in available vertebrate species. In addition, this alteration is predicted to be tolerated by in silico analysis. Since supporting evidence is limited at this time, the clinical significance of this alteration remains unclear.

NM_024642.5(GALNT12):c.1132G>A (p.Ala378Thr)

Gene: GALNT12 (polypeptide N-acetylgalactosaminyltransferase 12; plus strand). Cytogenetic location: 9q22.33.
Variant type: single nucleotide variant.
Coding change: c.1132G>A on transcript NM_024642.5 (MANE Select); coding-DNA position 1132, G replaced by A.
Protein change: p.Ala378Thr; replaces alanine 378 with threonine.
Molecular consequence: missense variant.
Genome position (GRCh38, 1-based): chr9:98,837,068, G>A. VCF-style: chr9-98837068-G-A. GRCh37 (hg19) VCF-style: chr9-101599350-G-A.
Other names: short protein forms A378T.
Identifiers: ClinVar variation 818398 (VCV000818398.4), dbSNP rs1588453921, ClinGen allele CA374219857.